The following is an entry in ClinVar:

ClinVar aggregate classification (germline): Pathogenic (1 of 4 stars; one submission).

Conditions:
Pitt-Hopkins syndrome (PTHS). Also called: ENCEPHALOPATHY, SEVERE EPILEPTIC, WITH AUTONOMIC DYSFUNCTION; MENTAL RETARDATION, SYNDROMAL, WITH INTERMITTENT HYPERVENTILATION. Identifiers: Orphanet 2896, MedGen C1970431, MONDO:0012589, OMIM 610954.

Submission:

Labcorp Genetics (formerly Invitae), Labcorp
Classification: Pathogenic for Pitt-Hopkins syndrome. Last evaluated: 2023-09-27. Review status: criteria provided, single submitter. Criteria: Invitae Variant Classification Sherloc (09022015). Collection method: clinical testing. Allele origin: unknown.
Comment: This variant is a gross deletion of the genomic region encompassing exon(s) 2-15 of the TCF4 gene, which includes the initiator codon. This deletion extends beyond the assayed region for this gene and therefore may encompass additional genes. It is expected to result in an absent or disrupted protein product. Loss-of-function variants in TCF4 are known to be pathogenic (PMID: 18728071, 22045651). This variant has not been reported in the literature in individuals affected with TCF4-related conditions. For these reasons, this variant has been classified as Pathogenic.

Literature cited by the submitters: PubMed 18728071; PubMed 22045651.

NC_000018.9:g.(?_52921708)_(53254347_?)del

Gene: TCF4 (transcription factor 4; minus strand). Cytogenetic location: 18q21.2.
Variant type: Deletion.
Identifiers: ClinVar variation 3242758 (VCV003242758.1).